The following is an entry in ClinVar:

ClinVar aggregate classification (germline): Uncertain significance. Review status: criteria provided, multiple submitters, no conflicts (2 of 4 stars). 4 submissions from 4 submitters: Uncertain significance (4). Last evaluated 2025-12-31.

Conditions:
Inborn genetic diseases. Identifiers: MedGen C0950123, MeSH D030342.
SH3TC2-related disorder. Also called: SH3TC2-related disorders; SH3TC2-related condition. Identifiers: MedGen CN239303.
Charcot-Marie-Tooth disease type 4. Also called: Charcot-Marie-Tooth, Type 4; Charcot-Marie-Tooth disease, type IV. Identifiers: Orphanet 64749, MedGen C4082197, MONDO:0018995.

Allele frequency attached by ClinVar (database versions not stated): gnomAD exomes below 0.00001 and 0.00001; TOPMed below 0.00001; gnomAD 0.00001.
gnomAD v4.1: 12 of 1,614,076 alleles (0.00074%); highest among the groups gnomAD compares: Non-Finnish European, 0.00093%; no homozygotes.

Submissions (4):

PreventionGenetics, part of Exact Sciences
Classification: Uncertain significance for SH3TC2-related condition. Last evaluated: 2025-12-31. Review status: criteria provided, single submitter. Criteria: ACMG Guidelines, 2015. Collection method: clinical testing. Allele origin: germline.
Comment: The SH3TC2 c.2894C>T variant is predicted to result in the amino acid substitution p.Ser965Phe. To our knowledge, this variant has not been reported in the literature. This variant is reported in 0.0015% of alleles in individuals of European (Non-Finnish) descent in gnomAD. At this time, the clinical significance of this variant is uncertain due to the absence of conclusive functional and genetic evidence.

Ambry Genetics
Classification: Uncertain significance for Inborn genetic diseases. Last evaluated: 2024-07-02. Review status: criteria provided, single submitter. Criteria: Ambry Variant Classification Scheme 2023. Collection method: clinical testing. Allele origin: germline.

GeneDx
Classification: Uncertain significance. Last evaluated: 2024-07-02. Review status: criteria provided, single submitter. Criteria: GeneDx Variant Classification Process June 2021. Collection method: clinical testing. Allele origin: germline. Affected: yes.
Comment: Not observed at significant frequency in large population cohorts (gnomAD); In silico analysis indicates that this missense variant does not alter protein structure/function; Has not been previously published as pathogenic or benign to our knowledge

Labcorp Genetics (formerly Invitae), Labcorp
Classification: Uncertain significance for Charcot-Marie-Tooth disease type 4. Last evaluated: 2019-10-23. Review status: criteria provided, single submitter. Criteria: Invitae Variant Classification Sherloc (09022015). Collection method: clinical testing. Allele origin: germline.
Comment: This sequence change replaces serine with phenylalanine at codon 965 of the SH3TC2 protein (p.Ser965Phe). The serine residue is highly conserved and there is a large physicochemical difference between serine and phenylalanine. This variant is not present in population databases (ExAC no frequency). This variant has not been reported in the literature in individuals with SH3TC2-related conditions. Algorithms developed to predict the effect of missense changes on protein structure and function (SIFT, PolyPhen-2, Align-GVGD) all suggest that this variant is likely to be tolerated, but these predictions have not been confirmed by published functional studies and their clinical significance is uncertain. In summary, the available evidence is currently insufficient to determine the role of this variant in disease. Therefore, it has been classified as a Variant of Uncertain Significance.

NM_024577.4(SH3TC2):c.2894C>T (p.Ser965Phe)

Gene: SH3TC2 (SH3 domain and tetratricopeptide repeats 2; minus strand). Cytogenetic location: 5q32.
Variant type: single nucleotide variant.
Coding change: c.2894C>T on transcript NM_024577.4 (MANE Select); coding-DNA position 2894, C replaced by T.
Protein change: p.Ser965Phe; replaces serine 965 with phenylalanine.
Molecular consequence: missense variant.
Genome position (GRCh38, 1-based): chr5:149,026,731, G>A on the plus strand (C>T on the coding strand, the complement: SH3TC2 is on the minus strand). VCF-style: chr5-149026731-G-A. GRCh37 (hg19) VCF-style: chr5-148406294-G-A.
Other names: short protein forms S965F.
Identifiers: ClinVar variation 837335 (VCV000837335.11), dbSNP rs1220087441, ClinGen allele CA361665384.